The following is an entry in ClinVar:

NM_000038.6(APC):c.7934dup (p.Tyr2645Ter)

Gene: APC (APC regulator of Wnt signaling pathway; plus strand). Cytogenetic location: 5q22.2.
Variant type: Duplication.
Coding change: c.7934dup on transcript NM_000038.6 (MANE Select); coding-DNA position 7934, one base duplicated (A; older notation c.7934dupA).
Protein change: p.Tyr2645Ter; replaces tyrosine 2645 with a stop codon.
Molecular consequence: nonsense. On other transcripts: non-coding transcript variant (2).
Genome position (GRCh38, 1-based): chr5:112,843,528, A duplicated. VCF-style (leftmost placement, unchanged base first): chr5-112843527-T-TA. GRCh37 (hg19) VCF-style: chr5-112179224-T-TA.
Other names: c.7934dup, p.Tyr2645Ter (NM_001127510.3, NM_001354895.2, NM_001407450.1); c.7880dup, p.Tyr2627Ter (NM_001127511.3); c.7988dup, p.Tyr2663Ter (NM_001354896.2, NM_001407447.1, NM_001407448.1 and 1 more transcripts); c.7964dup, p.Tyr2655Ter (NM_001354897.2); c.7859dup, p.Tyr2620Ter (NM_001354898.2); c.7850dup, p.Tyr2617Ter (NM_001354899.2); c.7811dup, p.Tyr2604Ter (NM_001354900.2); c.7757dup, p.Tyr2586Ter (NM_001354901.2, NM_001407453.1); and 11 more; short protein forms Y2261*, Y2516*, Y2604*, Y2635*, Y2638*, Y2655*, Y2673*, Y2485*.
Identifiers: ClinVar variation 3409674 (VCV003409674.1).
Genomic context (GRCh38, chr5:112,843,527, plus strand): 5'-AGTACTTCTCAGACCGTTTCCTCAGGTGCTACAAATGGTGCTGAATCAAAGACTCTAATT[T>TA]ATCAAATGGCACCTGCTGTTTCTAAAACAGAGGATGTTTGGGTGAGAATTGAGGACTGTC-3'

ClinVar aggregate classification (germline): Likely pathogenic (1 of 4 stars; one submission).

Conditions:
Hereditary cancer-predisposing syndrome. Also called: Neoplastic Syndromes, Hereditary; Tumor predisposition; Hereditary Cancer Syndrome; Hereditary neoplastic syndrome. Identifiers: Orphanet 140162, MedGen C0027672, MeSH D009386, MONDO:0015356.

Submission:

Ambry Genetics
Classification: Likely pathogenic for Hereditary cancer-predisposing syndrome. Last evaluated: 2024-08-05. Review status: criteria provided, single submitter. Criteria: Ambry Variant Classification Scheme 2023. Collection method: clinical testing. Allele origin: germline.
Comment: The c.7934dupA variant, located in coding exon 15 of the APC gene, results from a duplication of A at nucleotide position 7934, causing a translational frameshift with a predicted alternate stop codon (p.Y2645*). This alteration occurs at the 3' terminus of theAPC gene, is not expected to trigger nonsense-mediated mRNA decay, and only impacts the last 7% of the protein. However, premature stop codons are typically deleterious in nature and a significant portion of the protein is affected (Ambry internal data). This variant is considered to be rare based on population cohorts in the Genome Aggregation Database (gnomAD). Based on the supporting evidence, this variant is interpreted as a disease-causing mutation.